The following is an entry in ClinVar:

NM_001365951.3(KIF1B):c.1514+6G>A

Gene: KIF1B (kinesin family member 1B; plus strand). Cytogenetic location: 1p36.22.
Variant type: single nucleotide variant.
Coding change: c.1514+6G>A on transcript NM_001365951.3 (MANE Select); 6 bases into the intron after coding-DNA position 1514, G replaced by A.
Molecular consequence: intron variant.
Genome position (GRCh38, 1-based): chr1:10,291,167, G>A. VCF-style: chr1-10291167-G-A. GRCh37 (hg19) VCF-style: chr1-10351225-G-A.
Other names: c.1376+6G>A (NM_183416.4, NM_015074.3, NM_001365953.1); c.1514+6G>A (NM_001365952.1).
Identifiers: ClinVar variation 2872815 (VCV002872815.3), dbSNP rs753633989, ClinGen allele CA580983.
Genomic context (GRCh38, chr1:10,291,167, plus strand): 5'-TGAATGAAACTTGGGAAGAGAAGCTTCGTAAAACAGAGGCCATCAGAATGGAGAGGTCAG[G>A]AGGTTAAAATCTGGAAATGTTTCTAAGTTTTCTAGGGGATGTGGATTACTTTATCGTAAG-3'

ClinVar aggregate classification (germline): Uncertain significance (1 of 4 stars; one submission).

Conditions:
Charcot-Marie-Tooth disease type 2. Also called: Charcot-Marie-Tooth type 2. Identifiers: Orphanet 64746, MedGen C0270914, MONDO:0018993.

Allele frequency attached by ClinVar (database versions not stated): ExAC 0.00001; gnomAD exomes below 0.00001.
gnomAD v4.1: 5 of 1,599,388 alleles (0.00031%); highest among the groups gnomAD compares: Non-Finnish European, 0.00043%; no homozygotes.

Submission:

Labcorp Genetics (formerly Invitae), Labcorp
Classification: Uncertain significance for Charcot-Marie-Tooth disease type 2. Last evaluated: 2025-10-14. Review status: criteria provided, single submitter. Criteria: Invitae Variant Classification Sherloc (09022015). Collection method: clinical testing. Allele origin: germline.
Comment: This sequence change falls in intron 14 of the KIF1B gene. It does not directly change the encoded amino acid sequence of the KIF1B protein. It affects a nucleotide within the consensus splice site. This variant is present in population databases (rs753633989, gnomAD 0.0009%). This variant has not been reported in the literature in individuals affected with KIF1B-related conditions. ClinVar contains an entry for this variant (Variation ID: 2872815). Variants that disrupt the consensus splice site are a relatively common cause of aberrant splicing (PMID: 17576681, 9536098). Algorithms developed to predict the effect of sequence changes on RNA splicing suggest that this variant may create or strengthen a splice site. In summary, the available evidence is currently insufficient to determine the role of this variant in disease. Therefore, it has been classified as a Variant of Uncertain Significance.

Literature cited by the submitters: PubMed 17576681; PubMed 9536098.